The following is an entry in ClinVar:

ClinVar aggregate classification (germline): Uncertain significance (1 of 4 stars; one submission).

Conditions:
Emery-Dreifuss muscular dystrophy 5, autosomal dominant (EDMD5). Also called: EMERY-DREIFUSS MUSCULAR DYSTROPHY 5. Identifiers: Orphanet 261, MedGen C2751805, MONDO:0013072, OMIM 612999.

Allele frequency attached by ClinVar (database versions not stated): gnomAD exomes below 0.00001.
gnomAD v4.1: 1 of 1,614,076 alleles (0.000062%); highest among the groups gnomAD compares: Admixed American, 0.0017%; no homozygotes.

Submission:

Labcorp Genetics (formerly Invitae), Labcorp
Classification: Uncertain significance for Emery-Dreifuss muscular dystrophy 5, autosomal dominant. Last evaluated: 2023-06-23. Review status: criteria provided, single submitter. Criteria: Invitae Variant Classification Sherloc (09022015). Collection method: clinical testing. Allele origin: germline.
Comment: This sequence change replaces isoleucine, which is neutral and non-polar, with threonine, which is neutral and polar, at codon 3310 of the SYNE2 protein (p.Ile3310Thr). This variant is present in population databases (no rsID available, gnomAD 0.003%). This variant has not been reported in the literature in individuals affected with SYNE2-related conditions. ClinVar contains an entry for this variant (Variation ID: 2015194). An algorithm developed to predict the effect of missense changes on protein structure and function (PolyPhen-2) suggests that this variant is likely to be disruptive. In summary, the available evidence is currently insufficient to determine the role of this variant in disease. Therefore, it has been classified as a Variant of Uncertain Significance.

NM_182914.3(SYNE2):c.9929T>C (p.Ile3310Thr)

Gene: SYNE2 (spectrin repeat containing nuclear envelope protein 2; plus strand). Cytogenetic location: 14q23.2.
Variant type: single nucleotide variant.
Coding change: c.9929T>C on transcript NM_182914.3 (MANE Select); coding-DNA position 9929, T replaced by C.
Protein change: p.Ile3310Thr; replaces isoleucine 3310 with threonine.
Molecular consequence: missense variant.
Genome position (GRCh38, 1-based): chr14:64,056,128, T>C. VCF-style: chr14-64056128-T-C. GRCh37 (hg19) VCF-style: chr14-64522846-T-C.
Other names: c.9929T>C, p.Ile3310Thr (NM_015180.6); short protein forms I3310T.
Identifiers: ClinVar variation 2015194 (VCV002015194.4), dbSNP rs1403798901, ClinGen allele CA389987687.